The following is an entry in ClinVar:

ClinVar aggregate classification (germline): Uncertain significance. Review status: criteria provided, multiple submitters, no conflicts (2 of 4 stars). 2 submissions from 2 submitters: Uncertain significance (2). Last evaluated 2025-12-10.

Allele frequency attached by ClinVar (database versions not stated): ExAC 0.00003; gnomAD exomes 0.00003; gnomAD 0.00004; TOPMed 0.00005; ESP Exome Variant Server 0.00008.
gnomAD v4.1: 52 of 1,613,764 alleles (0.0032%); highest among the groups gnomAD compares: Middle Eastern, 0.016%; no homozygotes.

Submissions (2):

Labcorp Genetics (formerly Invitae), Labcorp
Classification: Uncertain significance. Last evaluated: 2025-12-10. Review status: criteria provided, single submitter. Criteria: Invitae Variant Classification Sherloc (09022015). Collection method: clinical testing. Allele origin: germline.
Comment: This sequence change replaces proline, which is neutral and non-polar, with serine, which is neutral and polar, at codon 170 of the PSMG2 protein (p.Pro170Ser). This variant is present in population databases (rs146919461, gnomAD 0.006%). This variant has not been reported in the literature in individuals affected with PSMG2-related conditions. ClinVar contains an entry for this variant (Variation ID: 1367935). An algorithm developed to predict the effect of missense changes on protein structure and function (PolyPhen-2) suggests that this variant is likely to be disruptive. In summary, the available evidence is currently insufficient to determine the role of this variant in disease. Therefore, it has been classified as a Variant of Uncertain Significance.

Ambry Genetics
Classification: Uncertain significance. Last evaluated: 2024-10-11. Review status: criteria provided, single submitter. Criteria: Ambry Variant Classification Scheme 2023. Collection method: clinical testing. Allele origin: germline.

NM_020232.5(PSMG2):c.508C>T (p.Pro170Ser)

Gene: PSMG2 (proteasome assembly chaperone 2; plus strand). Cytogenetic location: 18p11.21.
Variant type: single nucleotide variant.
Coding change: c.508C>T on transcript NM_020232.5 (MANE Select); coding-DNA position 508, C replaced by T.
Protein change: p.Pro170Ser; replaces proline 170 with serine.
Molecular consequence: missense variant.
Genome position (GRCh38, 1-based): chr18:12,720,610, C>T. VCF-style: chr18-12720610-C-T. GRCh37 (hg19) VCF-style: chr18-12720609-C-T.
Other names: c.415C>T, p.Pro139Ser (NM_147163.2); c.508C>T (NM_020232.4); short protein forms P139S, P170S.
Identifiers: ClinVar variation 1367935 (VCV001367935.9), dbSNP rs146919461, ClinGen allele CA8898422.